The following is an entry in ClinVar:

ClinVar aggregate classification (germline): Pathogenic (1 of 4 stars; one submission).

Conditions:
LAMA2-related muscular dystrophy (LAMA2-RD). Also called: Laminin alpha 2-related dystrophy. Identifiers: MedGen C5679788, MONDO:0100228.

Allele frequency attached by ClinVar (database versions not stated): gnomAD exomes below 0.00001; TOPMed below 0.00001; gnomAD 0.00001.
gnomAD v4.1: 3 of 1,612,124 alleles (0.00019%); highest among the groups gnomAD compares: African/African-American, 0.0027%; no homozygotes.

Submission:

Labcorp Genetics (formerly Invitae), Labcorp
Classification: Pathogenic for LAMA2-related muscular dystrophy. Last evaluated: 2022-08-23. Review status: criteria provided, single submitter. Criteria: Invitae Variant Classification Sherloc (09022015). Collection method: clinical testing. Allele origin: germline.
Comment: This sequence change creates a premature translational stop signal (p.Tyr2348*) in the LAMA2 gene. It is expected to result in an absent or disrupted protein product. Loss-of-function variants in LAMA2 are known to be pathogenic (PMID: 18700894, 32904964). This variant is present in population databases (no rsID available, gnomAD 0.007%). This variant has not been reported in the literature in individuals affected with LAMA2-related conditions. ClinVar contains an entry for this variant (Variation ID: 839949). Algorithms developed to predict the effect of sequence changes on RNA splicing suggest that this variant may disrupt the consensus splice site. For these reasons, this variant has been classified as Pathogenic.

Literature cited by the submitters: PubMed 18700894; PubMed 32904964.

NM_000426.4(LAMA2):c.7044T>G (p.Tyr2348Ter)

Gene: LAMA2 (laminin subunit alpha 2; plus strand). Cytogenetic location: 6q22.33.
Variant type: single nucleotide variant.
Coding change: c.7044T>G on transcript NM_000426.4 (MANE Select); coding-DNA position 7044, T replaced by G.
Protein change: p.Tyr2348Ter; replaces tyrosine 2348 with a stop codon.
Molecular consequence: nonsense.
Genome position (GRCh38, 1-based): chr6:129,464,341, T>G. VCF-style: chr6-129464341-T-G. GRCh37 (hg19) VCF-style: chr6-129785486-T-G.
Other names: c.7044T>G, p.Tyr2348Ter (NM_001079823.2); short protein forms Y2348*.
Identifiers: ClinVar variation 839949 (VCV000839949.8), dbSNP rs866663584, ClinGen allele CA146891295.
Genomic context (GRCh38, chr6:129,464,341, plus strand): 5'-TCTTCTCAGTCCTCAGGTGGAAGATAGTGAGGGGACTATTCAATTTGATGGAGAAGGTTA[T>G]GCATTGGTCAGCCGTCCCATTCGCTGGTACCCCAACATCTCCACTGTCATGTTCAAGTTC-3'